The following is an entry in ClinVar:

ClinVar aggregate classification (germline): Conflicting classifications of pathogenicity. Review status: criteria provided, conflicting classifications (1 of 4 stars). 3 submissions from 3 submitters: Uncertain significance (2); Likely benign (1). Last evaluated 2025-12-08.

Conditions:
Inborn genetic diseases. Identifiers: MedGen C0950123, MeSH D030342.
Microcephaly and chorioretinopathy 1. Also called: Microcephaly and chorioretinopathy, autosomal recessive, 1. Identifiers: MedGen C3278481, MONDO:0009624, OMIM 251270.

gnomAD v4.1: 40 of 1,611,008 alleles (0.0025%); highest among the groups gnomAD compares: South Asian, 0.038%; no homozygotes.

Submissions (3):

Labcorp Genetics (formerly Invitae), Labcorp
Classification: Uncertain significance. Last evaluated: 2025-12-08. Review status: criteria provided, single submitter. Criteria: Invitae Variant Classification Sherloc (09022015). Collection method: clinical testing. Allele origin: germline.
Comment: This sequence change replaces serine, which is neutral and polar, with tryptophan, which is neutral and slightly polar, at codon 1230 of the TUBGCP6 protein (p.Ser1230Trp). This variant is present in population databases (rs201398979, gnomAD 0.07%). This variant has not been reported in the literature in individuals affected with TUBGCP6-related conditions. ClinVar contains an entry for this variant (Variation ID: 1402059). An algorithm developed to predict the effect of missense changes on protein structure and function outputs the following: PolyPhen-2: "Probably Damaging". The tryptophan amino acid residue is found in multiple mammalian species, which suggests that this missense change does not adversely affect protein function. In summary, the available evidence is currently insufficient to determine the role of this variant in disease. Therefore, it has been classified as a Variant of Uncertain Significance.

Ambry Genetics
Classification: Likely benign for Inborn genetic diseases. Last evaluated: 2025-04-01. Review status: criteria provided, single submitter. Criteria: Ambry Variant Classification Scheme 2023. Collection method: clinical testing. Allele origin: germline.

Neuberg Centre For Genomic Medicine, NCGM
Classification: Uncertain significance for Microcephaly and chorioretinopathy 1. Last evaluated: 2023-05-20. Review status: criteria provided, single submitter. Criteria: ACMG Guidelines, 2015. Collection method: clinical testing. Allele origin: germline. Inheritance: Autosomal dominant inheritance. Affected: yes.
Comment: The missense variant c.3689C>G (p.Ser1230Trp) in the TUBGCP6 gene has not been reported previously as a pathogenic variant nor as a benign variant, to our knowledge. This variant is reported with the allele frequency (0.009%) in the gnomAD Exomes. This variant has been reported to the ClinVar database as Uncertain Significance. However, no details are available for independent assessment. The amino acid Serine at position 1230 is changed to a Tryptophan changing protein sequence and it might alter its composition and physico- chemical properties. Multiple lines of computational evidence (Polyphen, SIFT and MutationTaster) predict no damaging effect on protein structure and function for this variant. The amino acid change p.Ser1230Trp in TUBGCP6 is predicted as conserved by GERP++ and PhyloP across 100 vertebrates. For these reasons, this variant has been classified as Uncertain Significance.

NM_020461.4(TUBGCP6):c.3689C>G (p.Ser1230Trp)

Gene: TUBGCP6 (tubulin gamma complex component 6; minus strand). Cytogenetic location: 22q13.33.
Variant type: single nucleotide variant.
Coding change: c.3689C>G on transcript NM_020461.4 (MANE Select); coding-DNA position 3689, C replaced by G.
Protein change: p.Ser1230Trp; replaces serine 1230 with tryptophan.
Molecular consequence: missense variant.
Genome position (GRCh38, 1-based): chr22:50,220,670, G>C on the plus strand (C>G on the coding strand, the complement: TUBGCP6 is on the minus strand). VCF-style: chr22-50220670-G-C. GRCh37 (hg19) VCF-style: chr22-50659099-G-C.
Other names: c.3689C>G (NM_020461.3); short protein forms S1230W.
Identifiers: ClinVar variation 1402059 (VCV001402059.6), dbSNP rs201398979, ClinGen allele CA10307854.